The following is an entry in ClinVar:

NM_000203.5(IDUA):c.1728-2A>G

Gene: IDUA (alpha-L-iduronidase; plus strand). Cytogenetic location: 4p16.3.
Variant type: single nucleotide variant.
Coding change: c.1728-2A>G on transcript NM_000203.5 (MANE Select); the canonical splice acceptor site of the intron before coding-DNA position 1728, A replaced by G.
Molecular consequence: splice acceptor variant.
Genome position (GRCh38, 1-based): chr4:1,004,010, A>G. VCF-style: chr4-1004010-A-G. GRCh37 (hg19) VCF-style: chr4-997798-A-G.
Other names: c.1332-2A>G (NM_001363576.1).
Identifiers: ClinVar variation 557744 (VCV000557744.12), dbSNP rs1553917699, ClinGen allele CA355965302.

ClinVar aggregate classification (germline): Pathogenic/Likely pathogenic. Review status: criteria provided, multiple submitters, no conflicts (2 of 4 stars). 5 submissions from 5 submitters: Pathogenic (3); Likely pathogenic (1). 1 of the submissions does not count toward it. Last evaluated 2026-06-23.

Conditions:
Mucopolysaccharidosis type 1. Also called: Mucopolysaccharidosis Type I; IDUA deficiency; MPS I. Identifiers: Orphanet 579, MedGen C0023786, MONDO:0001586.
Hurler syndrome. Also called: Gargoylism, Hurler Syndrome; MUCOPOLYSACCHARIDOSIS TYPE IH; Severe MPS I (Hurler Syndrome). Identifiers: Orphanet 93473, MedGen C0086795, MONDO:0011758, OMIM 607014.

Submissions (5):

Women's Health and Genetics/Laboratory Corporation of America, LabCorp
Classification: Pathogenic for Mucopolysaccharidosis type 1. Last evaluated: 2026-06-23. Review status: criteria provided, single submitter. Criteria: LabCorp Variant Classification Summary - May 2015. Collection method: clinical testing. Allele origin: germline.
Comment: Variant summary: IDUA c.1728-2A>G is located in a canonical splice-site and is predicted to affect mRNA splicing resulting in a significantly altered protein due to either exon skipping, shortening, or inclusion of intronic material. Variants that disrupt the consensus splice site are a relatively common cause of aberrant splicing and loss of IDUA function. Several computational tools predict a significant impact on normal splicing: Four predict the variant abolishes a 3' acceptor site. However, these predictions have yet to be confirmed by functional studies. The variant was absent in 251038 control chromosomes. To our knowledge, no occurrence of c.1728-2A>G in individuals affected with IDUA-related conditions and no experimental evidence demonstrating its impact on protein function have been reported. A different splice variant at the same acceptor site has been classified as Pathogenic (c.1728-1G>C) by our lab. ClinVar contains an entry for this variant (Variation ID: 557744). Based on the evidence outlined above, the variant was classified as pathogenic.

Natera, Inc.
Classification: Pathogenic for Mucopolysaccharidosis type I. Last evaluated: 2025-02-14. Review status: criteria provided, single submitter. Criteria: Natera Variant Classification Schema (03/2026). Collection method: clinical testing. Allele origin: germline.
Comment: The c.1728-2A>G variant in IDUA is a canonical splice acceptor site variant predicted to affect pre-mRNA splicing, which may result in an abnormal transcript and altered protein product. This variant is expected to result in nonsense mediated decay, truncation, or a dysfunctional protein product. This variant is rare in the general population with a frequency below the threshold expected for the associated phenotype(s). Another variant at this same site results in an alteration predicted to cause a similar molecular effect has been observed in individual(s) with the associated phenotype. Given the available evidence, this variant is classified as Pathogenic.

Labcorp Genetics (formerly Invitae), Labcorp
Classification: Pathogenic for Mucopolysaccharidosis type 1. Last evaluated: 2024-09-19. Review status: criteria provided, single submitter. Criteria: Invitae Variant Classification Sherloc (09022015). Collection method: clinical testing. Allele origin: germline.
Comment: This sequence change affects an acceptor splice site in intron 12 of the IDUA gene. It is expected to disrupt RNA splicing. Variants that disrupt the donor or acceptor splice site typically lead to a loss of protein function (PMID: 16199547), and loss-of-function variants in IDUA are known to be pathogenic (PMID: 11735025, 21480867). This variant is not present in population databases (gnomAD no frequency). Disruption of this splice site has been observed in individuals with MPS I (PMID: 22976768; internal data). ClinVar contains an entry for this variant (Variation ID: 557744). Algorithms developed to predict the effect of sequence changes on RNA splicing suggest that this variant may disrupt the consensus splice site. For these reasons, this variant has been classified as Pathogenic.

Revvity Omics, Revvity
Classification: Likely pathogenic. Last evaluated: 2024-02-20. Review status: criteria provided, single submitter. Criteria: ACMG Guidelines, 2015. Collection method: clinical testing. Allele origin: germline.

Counsyl
Classification: Likely pathogenic for Hurler syndrome. Last evaluated: 2018-04-06. Review status: no assertion criteria provided. Collection method: clinical testing. Allele origin: unknown. Not counted in ClinVar's aggregate classification.

Literature cited by the submitters: PubMed 16199547 (cited by Labcorp Genetics (formerly Invitae), Labcorp); PubMed 11735025 (cited by Labcorp Genetics (formerly Invitae), Labcorp); PubMed 21480867 (cited by Labcorp Genetics (formerly Invitae), Labcorp); PubMed 22976768 (cited by Labcorp Genetics (formerly Invitae), Labcorp).